The following is an entry in ClinVar:

NM_001148.6(ANK2):c.1174A>T (p.Asn392Tyr)

Gene: ANK2 (ankyrin 2; plus strand). Cytogenetic location: 4q26.
Variant type: single nucleotide variant.
Coding change: c.1174A>T on transcript NM_001148.6 (MANE Select); coding-DNA position 1174, A replaced by T.
Protein change: p.Asn392Tyr; replaces asparagine 392 with tyrosine.
Molecular consequence: missense variant.
Genome position (GRCh38, 1-based): chr4:113,255,918, A>T. VCF-style: chr4-113255918-A-T. GRCh37 (hg19) VCF-style: chr4-114177074-A-T.
Other names: c.1219A>T, p.Asn407Tyr (NM_001386152.1, NM_001354230.2, NM_001354231.2 and 5 more transcripts); c.1087A>T, p.Asn363Tyr (NM_001386153.1, NM_001386157.1, NM_001386154.1 and 16 more transcripts); c.1111A>T, p.Asn371Tyr (NM_001386156.1, NM_001386161.1, NM_001127493.3 and 14 more transcripts); c.1132A>T, p.Asn378Tyr (NM_001386160.1, NM_001354261.2, NM_001386147.1); c.1225A>T, p.Asn409Tyr (NM_001386174.1); c.1201A>T, p.Asn401Tyr (NM_001386175.1); c.1162A>T, p.Asn388Tyr (NM_001386186.2, NM_001386148.2, NM_001354269.3); c.1138A>T, p.Asn380Tyr (NM_001386187.2); and 1 more; short protein forms N371Y, N378Y, N388Y, N401Y, N407Y, N409Y, N363Y, N380Y.
Identifiers: ClinVar variation 2988758 (VCV002988758.4), dbSNP rs2492675498, ClinGen allele CA357927160.

ClinVar aggregate classification (germline): Uncertain significance. Review status: criteria provided, multiple submitters, no conflicts (2 of 4 stars). 2 submissions from 2 submitters: Uncertain significance (2). Last evaluated 2024-04-05.

Conditions:
Long QT syndrome (LQTS). Identifiers: MedGen C0023976, MeSH D008133, MONDO:0002442. Disease mechanism: loss of function. Inheritance: Various modes of inheritance.

Submissions (2):

GeneDx
Classification: Uncertain significance. Last evaluated: 2024-04-05. Review status: criteria provided, single submitter. Criteria: GeneDx Variant Classification Process June 2021. Collection method: clinical testing. Allele origin: germline. Affected: yes.
Comment: Not observed at significant frequency in large population cohorts (gnomAD); In silico analysis supports that this missense variant has a deleterious effect on protein structure/function; Has not been previously published as pathogenic or benign to our knowledge

Labcorp Genetics (formerly Invitae), Labcorp
Classification: Uncertain significance for Long QT syndrome. Last evaluated: 2023-04-28. Review status: criteria provided, single submitter. Criteria: Invitae Variant Classification Sherloc (09022015). Collection method: clinical testing. Allele origin: germline.
Comment: In summary, the available evidence is currently insufficient to determine the role of this variant in disease. Therefore, it has been classified as a Variant of Uncertain Significance. Advanced modeling of protein sequence and biophysical properties (such as structural, functional, and spatial information, amino acid conservation, physicochemical variation, residue mobility, and thermodynamic stability) performed at Invitae indicates that this missense variant is not expected to disrupt ANK2 protein function. This variant has not been reported in the literature in individuals affected with ANK2-related conditions. This variant is not present in population databases (gnomAD no frequency). This sequence change replaces asparagine, which is neutral and polar, with tyrosine, which is neutral and polar, at codon 392 of the ANK2 protein (p.Asn392Tyr).